The following is an entry in ClinVar:

NM_182746.3(MCM4):c.1567G>A (p.Val523Met)

Gene: MCM4 (minichromosome maintenance complex component 4; plus strand). Cytogenetic location: 8q11.21.
Variant type: single nucleotide variant.
Coding change: c.1567G>A on transcript NM_182746.3 (MANE Select); coding-DNA position 1567, G replaced by A.
Protein change: p.Val523Met; replaces valine 523 with methionine.
Molecular consequence: missense variant.
Genome position (GRCh38, 1-based): chr8:47,970,643, G>A. VCF-style: chr8-47970643-G-A. GRCh37 (hg19) VCF-style: chr8-48883203-G-A.
Other names: c.1567G>A, p.Val523Met (NM_005914.4); short protein forms V523M.
Identifiers: ClinVar variation 1909518 (VCV001909518.5), dbSNP rs144129405, ClinGen allele CA4742648.

ClinVar aggregate classification (germline): Uncertain significance (1 of 4 stars; one submission).

Submission:

Labcorp Genetics (formerly Invitae), Labcorp
Classification: Uncertain significance. Last evaluated: 2022-05-29. Review status: criteria provided, single submitter. Criteria: Invitae Variant Classification Sherloc (09022015). Collection method: clinical testing. Allele origin: germline.
Comment: This sequence change replaces valine, which is neutral and non-polar, with methionine, which is neutral and non-polar, at codon 523 of the MCM4 protein (p.Val523Met). This variant is present in population databases (rs144129405, gnomAD 0.003%). This variant has not been reported in the literature in individuals affected with MCM4-related conditions. Algorithms developed to predict the effect of missense changes on protein structure and function are either unavailable or do not agree on the potential impact of this missense change (SIFT: "Deleterious"; PolyPhen-2: "Probably Damaging"; Align-GVGD: "Class C15"). In summary, the available evidence is currently insufficient to determine the role of this variant in disease. Therefore, it has been classified as a Variant of Uncertain Significance.